The following is an entry in ClinVar:

NM_000492.4(CFTR):c.3468+1566_3468+4585del

Genes: CFTR (CF transmembrane conductance regulator; plus strand), CFTR-AS2 (CFTR antisense RNA 2; minus strand), LOC113633875 (CFTR intron 18a DNase I hypersensitive site; plus strand). Cytogenetic location: 7q31.2.
Variant type: Deletion.
Coding change: c.3468+1566_3468+4585del on transcript NM_000492.4 (MANE Select); bases 1566 to 4585 of the intron after coding-DNA position 3468, 3,020 bases deleted.
Molecular consequence: intron variant.
Genome position (GRCh38, 1-based): chr7:117,616,279-117,619,298, 3,020 bases deleted. GRCh37 (hg19): chr7:117,256,333-117,259,352.
Identifiers: ClinVar variation 4280059 (VCV004280059.1).

ClinVar aggregate classification (germline): Uncertain significance (1 of 4 stars; one submission).

Conditions:
Cystic fibrosis (CF). Also called: MUCOVISCIDOSIS. Identifiers: Orphanet 586, MedGen C0010674, MONDO:0009061, OMIM 219700. Disease mechanism: loss of function.

Submission:

Johns Hopkins Genomics, Johns Hopkins University
Classification: Uncertain significance for Cystic fibrosis. Last evaluated: 2024-05-08. Review status: criteria provided, single submitter. Criteria: ACMG Guidelines, 2015. Collection method: clinical testing. Allele origin: germline.
Comment: PM2, PP4